The following is an entry in ClinVar:

NM_005228.5(EGFR):c.452G>C (p.Ser151Thr)

Gene: EGFR (epidermal growth factor receptor; plus strand). Cytogenetic location: 7p11.2.
Variant type: single nucleotide variant.
Coding change: c.452G>C on transcript NM_005228.5 (MANE Select); coding-DNA position 452, G replaced by C.
Protein change: p.Ser151Thr; replaces serine 151 with threonine.
Molecular consequence: missense variant. On other transcripts: intron variant (3).
Genome position (GRCh38, 1-based): chr7:55,146,633, G>C. VCF-style: chr7-55146633-G-C. GRCh37 (hg19) VCF-style: chr7-55214326-G-C.
Other names: c.452G>C, p.Ser151Thr (NM_001346898.2, NM_201282.2, NM_201283.2 and 1 more transcripts); c.293G>C, p.Ser98Thr (NM_001346900.2); c.424+3145G>C (NM_001346899.2, NM_001346897.2); c.89-9197G>C (NM_001346941.2); short protein forms S151T, S98T.
Identifiers: ClinVar variation 2085191 (VCV002085191.4), dbSNP rs1023675360, ClinGen allele CA367576516.
Genomic context (GRCh38, chr7:55,146,633, plus strand): 5'-AAGAGTGCTCACCGCAGTTCCATTCTCCCGCAGAAATCCTGCATGGCGCCGTGCGGTTCA[G>C]CAACAACCCTGCCCTGTGCAACGTGGAGAGCATCCAGTGGCGGGACATAGTCAGCAGTGA-3'
Protein context (NP_005219.2, residues 141-161): QEILHGAVRF[Ser151Thr]NNPALCNVES

ClinVar aggregate classification (germline): Uncertain significance (1 of 4 stars; one submission).

Conditions:
EGFR-related lung cancer (EGFR). Identifiers: MedGen CN130014.

Allele frequency attached by ClinVar (database versions not stated): gnomAD exomes below 0.00001.
gnomAD v4.1: 3 of 1,614,054 alleles (0.00019%); highest among the groups gnomAD compares: Non-Finnish European, 0.00025%; no homozygotes.

Submission:

Labcorp Genetics (formerly Invitae), Labcorp
Classification: Uncertain significance for EGFR-related lung cancer. Last evaluated: 2022-02-10. Review status: criteria provided, single submitter. Criteria: Invitae Variant Classification Sherloc (09022015). Collection method: clinical testing. Allele origin: germline.
Comment: This variant is not present in population databases (gnomAD no frequency). This sequence change replaces serine, which is neutral and polar, with threonine, which is neutral and polar, at codon 151 of the EGFR protein (p.Ser151Thr). In summary, the available evidence is currently insufficient to determine the role of this variant in disease. Therefore, it has been classified as a Variant of Uncertain Significance. Algorithms developed to predict the effect of missense changes on protein structure and function (SIFT, PolyPhen-2, Align-GVGD) all suggest that this variant is likely to be tolerated. This variant has not been reported in the literature in individuals affected with EGFR-related conditions.